The following is an entry in ClinVar:

NM_000083.3(CLCN1):c.854G>A (p.Gly285Glu)

Gene: CLCN1 (chloride voltage-gated channel 1; plus strand). Cytogenetic location: 7q34.
Variant type: single nucleotide variant.
Coding change: c.854G>A on transcript NM_000083.3 (MANE Select); coding-DNA position 854, G replaced by A.
Protein change: p.Gly285Glu; replaces glycine 285 with glutamic acid.
Molecular consequence: missense variant. On other transcripts: non-coding transcript variant (1).
Genome position (GRCh38, 1-based): chr7:143,330,772, G>A. VCF-style: chr7-143330772-G-A. GRCh37 (hg19) VCF-style: chr7-143027865-G-A.
Other names: short protein forms G285E.
Identifiers: ClinVar variation 280100 (VCV000280100.74), dbSNP rs150885084, ClinGen allele CA4537163.

ClinVar aggregate classification (germline): Pathogenic. Review status: criteria provided, multiple submitters, no conflicts (2 of 4 stars). 16 submissions from 16 submitters: Pathogenic (12). 4 of the submissions do not count toward it. Last evaluated 2026-01-22.

Conditions:
CLCN1-related disorder. Also called: CLCN1-related condition.
Skeletal muscle channelopathy.
Congenital myotonia, autosomal recessive form. Also called: BECKER DISEASE; Becker Generalized Myotonia; myotonia congenita, autosomal recessive. Identifiers: Orphanet 614, MedGen C0751360, MONDO:0009715, OMIM 255700.
Congenital myotonia, autosomal dominant form (THD). Also called: THOMSEN DISEASE; Myotonia congenita autosomal dominant. Identifiers: Orphanet 614, MedGen C2936781, MONDO:0008055, OMIM 160800.
Smith-Lemli-Opitz syndrome (SLOS). Also called: LETHAL ACRODYSGENITAL SYNDROME; POLYDACTYLY, SEX REVERSAL, RENAL HYPOPLASIA, AND UNILOBAR LUNG; RSH SYNDROME; RUTLEDGE LETHAL MULTIPLE CONGENITAL ANOMALY SYNDROME; 7-Dehydrocholesterol reductase deficiency. Identifiers: Orphanet 818, MedGen C0175694, MONDO:0010035, OMIM 270400.
Tip-toe gait. Also called: Toe walking. Identifiers: MedGen C0427144, HP:0030051.

Allele frequency attached by ClinVar (database versions not stated): gnomAD 0.00003; TOPMed 0.00005; ExAC 0.00006; gnomAD exomes 0.00006; ESP Exome Variant Server 0.00015; 1000 Genomes Project 30x 0.00016.

Submissions 1 to 12 of 16:

Labcorp Genetics (formerly Invitae), Labcorp
Classification: Pathogenic for Congenital myotonia, autosomal recessive form; Congenital myotonia, autosomal dominant form. Last evaluated: 2026-01-22. Review status: criteria provided, single submitter. Criteria: Invitae Variant Classification Sherloc (09022015). Collection method: clinical testing. Allele origin: germline.
Comment: This sequence change replaces glycine, which is neutral and non-polar, with glutamic acid, which is acidic and polar, at codon 285 of the CLCN1 protein (p.Gly285Glu). This variant is present in population databases (rs150885084, gnomAD 0.01%). This missense change has been observed in individuals with autosomal dominant and/or autosomal recessive myotonia congenita (PMID: 9736777, 12390967, 18337730, 21387378, 24037712, 34529042). This missense change has also been observed in the heterozygous state in unaffected individuals, consistent with reduced penetrance (PMID: 34529042). It has also been observed to segregate with disease in related individuals. ClinVar contains an entry for this variant (Variation ID: 280100). An algorithm developed to predict the effect of missense changes on protein structure and function (PolyPhen-2) suggests that this variant is likely to be disruptive. Experimental studies have shown that this missense change affects CLCN1 function (PMID: 9736777). For these reasons, this variant has been classified as Pathogenic.

Genetics Laboratory, Great Ormond Street Hospital NHS Foundation Trust, North Thames Genomic Laboratory Hub
Classification: Pathogenic for Skeletal muscle channelopathy. Last evaluated: 2025-12-12. Review status: criteria provided, single submitter. Criteria: ACGS Best Practice Guidelines for Variant Classification in Rare Disease 2024 v1.2. Collection method: clinical testing. Allele origin: germline. Affected: yes.
Comment: PP3_supporting, PM5_moderate, PS3_strong, PM1_moderate, PM3_very-strong

Greenwood Genetic Center Diagnostic Laboratories, Greenwood Genetic Center
Classification: Pathogenic for CLCN1-related disorder. Last evaluated: 2025-03-06. Review status: criteria provided, single submitter. Criteria: ACMG Guidelines, 2015. Collection method: clinical testing. Allele origin: germline. Affected: yes.
Comment: PS3, PM1_Supporting, PM2, PM3_Very Strong

Blueprint Genetics
Classification: Pathogenic for CLCN1-related disorders. Last evaluated: 2024-08-21. Review status: criteria provided, single submitter. Criteria: ACMG Guidelines, 2015. Collection method: clinical testing. Allele origin: germline. Affected: yes. Observed: 5 variant alleles.

Fulgent Genetics
Classification: Pathogenic for Congenital myotonia, autosomal dominant form; Congenital myotonia, autosomal recessive form. Last evaluated: 2024-05-15. Review status: criteria provided, single submitter. Criteria: ACMG Guidelines, 2015. Collection method: clinical testing. Allele origin: germline.

Athena Diagnostics
Classification: Pathogenic. Last evaluated: 2023-10-25. Review status: criteria provided, single submitter. Criteria: Athena Diagnostics Criteria. Collection method: clinical testing. Allele origin: unknown.
Comment: The frequency of this variant in the general population is consistent with pathogenicity. This variant is primarily reported as autosomal recessive myotonia congenita (PMID: 9736777, 12661046, 15162127, 15786415, 16786525, 17932099, 18337730, 21387378, 24037712, 28662944, 34529042), however, it has also been reported as possible autosomal dominant myotonia congenita (PMID: 9736777, 18816629, 23810313, 24037712, 34529042). Assessment of experimental evidence suggests this variant results in abnormal protein function. (PMID: 9736777) In multiple individuals, this variant has been seen with a single recessive pathogenic variant in the same gene, suggesting this variant may also be pathogenic.

Mayo Clinic Laboratories, Mayo Clinic
Classification: Pathogenic. Last evaluated: 2023-02-13. Review status: criteria provided, single submitter. Criteria: ACMG Guidelines, 2015. Collection method: clinical testing. Allele origin: germline. Observed: 2 variant alleles.
Comment: PP1, PP3, PM2, PM3, PS3, PS4_moderate

GeneDx
Classification: Pathogenic. Last evaluated: 2022-04-17. Review status: criteria provided, single submitter. Criteria: GeneDx Variant Classification Process June 2021. Collection method: clinical testing. Allele origin: germline. Affected: yes.
Comment: Observed in an affected mother and son with myotonia with presumed autosomal dominant inheritance (Thomas et al., 2008); Published functional studies demonstrate that the G285E variant leads to absent expression of chloride currents (Kubisch et al., 1998); Not observed at significant frequency in large population cohorts (gnomAD); In silico analysis supports that this missense variant has a deleterious effect on protein structure/function; This variant is associated with the following publications: (PMID: 24037712, 15162127, 29606556, 18816629, 9736777, 11933197, 15786415, 18337730, 12390967, 29050397, 12210360, 22995991, 28662944, 12661046, 23810313, 31589614, 17932099, 34529042)

Equipe Genetique des Anomalies du Developpement, Université de Bourgogne
Classification: Pathogenic for Smith-Lemli-Opitz syndrome. Last evaluated: 2021-10-28. Review status: criteria provided, single submitter. Criteria: ACMG Guidelines, 2015. Collection method: clinical testing. Allele origin: unknown. Affected: yes.

Revvity Omics, Revvity
Classification: Pathogenic. Last evaluated: 2021-09-29. Review status: criteria provided, single submitter. Criteria: ACMG Guidelines, 2015. Collection method: clinical testing. Allele origin: germline.

CeGaT Center for Human Genetics Tuebingen
Classification: Pathogenic. Last evaluated: 2021-07-01. Review status: criteria provided, single submitter. Criteria: CeGaT Center For Human Genetics Tuebingen Variant Classification Criteria Version 2. Collection method: clinical testing. Allele origin: germline. Affected: yes. Observed: 3 variant alleles.

New York Genome Center
Classification: Pathogenic for Congenital myotonia, autosomal dominant form; Congenital myotonia, autosomal recessive form. Last evaluated: 2021-04-16. Review status: criteria provided, single submitter. Criteria: NYGC Assertion Criteria 2020. Collection method: clinical testing. Allele origin: germline. Observed: 1 heterozygote. Study: CSER-NYCKidSeq.
Comment: The c.854G>A (p.Gly285Glu) variant identified in the CLCN1 gene substitutes a well conserved Glycine for Glutamic Acid at amino acid 285/989 (exon 8/23). This variant is found with low frequency in gnomAD(v3.1.1) (5 heterozygotes, 0 homozygotes; allele frequency: 3.29e-5) suggesting it is not a common benign variant in the populations represented in that database. In silico algorithms predict this variant to be Damaging (SIFT; score:0.00) and Pathogenic (REVEL; score:0.93) to the function of the canonical transcript. This variant is reported as Pathogenic in ClinVar (VarID:280100) and has been identified in many affected individuals in the literature in homozygosity or compound heterozygosity with another variant [PMID:18337730; PMID: 24037712; others], and in some individuals with presumed autosomal recessive inheritance but without a second variant identified [PMID: 9736777; PMID:21387378; PMID: 24037712; others], as well as in one family with an affected mother and son and presumed autosomal dominant inheritance pattern [PMID:18816629]. Functional studies demonstrate the p.Gly285Glu variant leads to absence of chloride currents [PMID:9736777]. Given its identification in many affected individuals in the literature, functional studies showing deleterious effect, low frequency in population databases, and in silico algorithms prediction of a deleterious effect, the c.854G>A (p.Gly285Glu) variant identified in the CLCN1 gene is reported as Pathogenic.